The following is an entry in ClinVar:

NM_016616.5(NME8):c.751C>T (p.Arg251Ter)

Gene: NME8 (NME/NM23 family member 8; plus strand). Cytogenetic location: 7p14.1.
Variant type: single nucleotide variant.
Coding change: c.751C>T on transcript NM_016616.5 (MANE Select); coding-DNA position 751, C replaced by T.
Protein change: p.Arg251Ter; replaces arginine 251 with a stop codon.
Molecular consequence: nonsense.
Genome position (GRCh38, 1-based): chr7:37,867,831, C>T. VCF-style: chr7-37867831-C-T. GRCh37 (hg19) VCF-style: chr7-37907433-C-T.
Other names: short protein forms R251*.
Identifiers: ClinVar variation 2171846 (VCV002171846.4), dbSNP rs113330102, ClinGen allele CA4222329.

ClinVar aggregate classification (germline): Uncertain significance (1 of 4 stars; one submission).

Conditions:
Primary ciliary dyskinesia 6. Also called: Primary Ciliary Dyskinesia 6: TXNDC3-Related Primary Ciliary Dyskinesia. Identifiers: Orphanet 244, MedGen C1970506, MONDO:0012571, OMIM 610852.

Allele frequency attached by ClinVar (database versions not stated): gnomAD 0.00001; ExAC 0.00002; ESP Exome Variant Server 0.00008.
gnomAD v4.1: 19 of 1,613,742 alleles (0.0012%); highest among the groups gnomAD compares: Middle Eastern, 0.016%; no homozygotes.

Submission:

Labcorp Genetics (formerly Invitae), Labcorp
Classification: Uncertain significance for Primary ciliary dyskinesia 6. Last evaluated: 2025-02-17. Review status: criteria provided, single submitter. Criteria: Invitae Variant Classification Sherloc (09022015). Collection method: clinical testing. Allele origin: germline.
Comment: This sequence change creates a premature translational stop signal (p.Arg251*) in the NME8 gene. It is expected to result in an absent or disrupted protein product. However, the current clinical and genetic evidence is not sufficient to establish whether loss-of-function variants in NME8 cause disease. This variant is present in population databases (rs113330102, gnomAD 0.003%). This variant has not been reported in the literature in individuals affected with NME8-related conditions. ClinVar contains an entry for this variant (Variation ID: 2171846). In summary, the available evidence is currently insufficient to determine the role of this variant in disease. Therefore, it has been classified as a Variant of Uncertain Significance.